The following is an entry in ClinVar:

ClinVar aggregate classification (germline): Uncertain significance (1 of 4 stars; one submission).

Allele frequency attached by ClinVar (database versions not stated): gnomAD exomes below 0.00001 and 0.00002.
gnomAD v4.1: 32 of 1,612,794 alleles (0.002%); highest among the groups gnomAD compares: Non-Finnish European, 0.0025%; no homozygotes.

Submission:

Labcorp Genetics (formerly Invitae), Labcorp
Classification: Uncertain significance. Last evaluated: 2021-04-08. Review status: criteria provided, single submitter. Criteria: Invitae Variant Classification Sherloc (09022015). Collection method: clinical testing. Allele origin: germline.
Comment: This sequence change replaces alanine with threonine at codon 418 of the EPS8 protein (p.Ala418Thr). The alanine residue is moderately conserved and there is a small physicochemical difference between alanine and threonine. This variant is not present in population databases (ExAC no frequency). This variant has not been reported in the literature in individuals with EPS8-related conditions. Algorithms developed to predict the effect of missense changes on protein structure and function output the following: SIFT: "Tolerated"; PolyPhen-2: "Benign"; Align-GVGD: "Class C0". The threonine amino acid residue is found in multiple mammalian species, suggesting that this missense change does not adversely affect protein function. These predictions have not been confirmed by published functional studies and their clinical significance is uncertain. In summary, the available evidence is currently insufficient to determine the role of this variant in disease. Therefore, it has been classified as a Variant of Uncertain Significance.

NM_004447.6(EPS8):c.1252G>A (p.Ala418Thr)

Gene: EPS8 (EGFR pathway substrate 8, signaling adaptor; minus strand). Cytogenetic location: 12p12.3.
Variant type: single nucleotide variant.
Coding change: c.1252G>A on transcript NM_004447.6 (MANE Select); coding-DNA position 1252, G replaced by A.
Protein change: p.Ala418Thr; replaces alanine 418 with threonine.
Molecular consequence: missense variant.
Genome position (GRCh38, 1-based): chr12:15,651,005, C>T on the plus strand (G>A on the coding strand, the complement: EPS8 is on the minus strand). VCF-style: chr12-15651005-C-T. GRCh37 (hg19) VCF-style: chr12-15803939-C-T.
Other names: short protein forms A418T.
Identifiers: ClinVar variation 1516641 (VCV001516641.8), dbSNP rs1411062887, ClinGen allele CA384029526.